The following is an entry in ClinVar:

ClinVar aggregate classification (germline): Conflicting classifications of pathogenicity. Review status: criteria provided, conflicting classifications (1 of 4 stars). 4 submissions from 4 submitters: Uncertain significance (3); Likely benign (1). Last evaluated 2026-09-20.

Conditions:
Retinitis pigmentosa 71 (RP71). Identifiers: Orphanet 791, MedGen C4225342, MONDO:0014618, OMIM 616394.
Bardet-Biedl syndrome 20. Identifiers: MedGen C4310707, MONDO:0023670, OMIM 619471, MONDO:0014926.
Short-rib thoracic dysplasia 10 with or without polydactyly (SRTD10). Identifiers: Orphanet 474, MedGen C3810175, MONDO:0014284, OMIM 615630.
IFT172-related disorder. Also called: IFT172-related condition; IFT172-related disorders.

Allele frequency attached by ClinVar (database versions not stated): ESP Exome Variant Server 0.00008; TOPMed 0.00008; ExAC 0.00002; gnomAD 0.00005 and 0.00006.
gnomAD v4.1: 13 of 1,614,030 alleles (0.00081%); highest among the groups gnomAD compares: African/African-American, 0.017%; no homozygotes.

Submissions (4):

GeneDx
Classification: Uncertain significance. Last evaluated: 2026-09-20. Review status: criteria provided, single submitter. Criteria: GeneDx Variant Classification Process June 2021. Collection method: clinical testing. Allele origin: germline.
Comment: In silico analysis suggests that this missense variant does not alter protein structure/function; Has not been previously published as pathogenic or benign to our knowledge

PreventionGenetics, part of Exact Sciences
Classification: Uncertain significance for IFT172-related condition. Last evaluated: 2026-07-13. Review status: criteria provided, single submitter. Criteria: ACMG Guidelines, 2015. Collection method: clinical testing. Allele origin: germline.
Comment: The IFT172 c.4307A>C variant is predicted to result in the amino acid substitution p.Lys1436Thr. To our knowledge, this variant has not been reported in the literature. This variant is reported in 0.028% of alleles in individuals of African descent in gnomAD. At this time, the clinical significance of this variant is uncertain due to the absence of conclusive functional and genetic evidence.

Labcorp Genetics (formerly Invitae), Labcorp
Classification: Likely benign for Retinitis pigmentosa 71; Short-rib thoracic dysplasia 10 with or without polydactyly. Last evaluated: 2025-06-23. Review status: criteria provided, single submitter. Criteria: Invitae Variant Classification Sherloc (09022015). Collection method: clinical testing. Allele origin: germline.

Fulgent Genetics
Classification: Uncertain significance for Short-rib thoracic dysplasia 10 with or without polydactyly; Retinitis pigmentosa 71; Bardet-Biedl syndrome 20. Last evaluated: 2022-01-18. Review status: criteria provided, single submitter. Criteria: ACMG Guidelines, 2015. Collection method: clinical testing. Allele origin: unknown.

NM_015662.3(IFT172):c.4307A>C (p.Lys1436Thr)

Gene: IFT172 (intraflagellar transport 172; minus strand). Cytogenetic location: 2p23.3.
Variant type: single nucleotide variant.
Coding change: c.4307A>C on transcript NM_015662.3 (MANE Select); coding-DNA position 4307, A replaced by C.
Protein change: p.Lys1436Thr; replaces lysine 1436 with threonine.
Molecular consequence: missense variant.
Genome position (GRCh38, 1-based): chr2:27,449,298, T>G on the plus strand (A>C on the coding strand, the complement: IFT172 is on the minus strand). VCF-style: chr2-27449298-T-G. GRCh37 (hg19) VCF-style: chr2-27672165-T-G.
Other names: short protein forms K1436T.
Identifiers: ClinVar variation 1189197 (VCV001189197.9), dbSNP rs377646246, ClinGen allele CA1579659.